The following is an entry in ClinVar:

NM_170606.3(KMT2C):c.13739A>C (p.Tyr4580Ser)

Gene: KMT2C (lysine methyltransferase 2C; minus strand). Cytogenetic location: 7q36.1.
Variant type: single nucleotide variant.
Coding change: c.13739A>C on transcript NM_170606.3 (MANE Select); coding-DNA position 13739, A replaced by C.
Protein change: p.Tyr4580Ser; replaces tyrosine 4580 with serine.
Molecular consequence: missense variant.
Genome position (GRCh38, 1-based): chr7:152,148,188, T>G on the plus strand (A>C on the coding strand, the complement: KMT2C is on the minus strand). VCF-style: chr7-152148188-T-G. GRCh37 (hg19) VCF-style: chr7-151845273-T-G.
Other names: short protein forms Y4580S.
Identifiers: ClinVar variation 5037287 (VCV005037287.1).

ClinVar aggregate classification (germline): Uncertain significance (1 of 4 stars; one submission).

Submission:

GeneDx
Classification: Uncertain significance. Last evaluated: 2026-04-15. Review status: criteria provided, single submitter. Criteria: GeneDx Variant Classification Process June 2021. Collection method: clinical testing. Allele origin: germline.
Comment: Not observed at significant frequency in large population cohorts (gnomAD); In silico analysis supports that this missense variant has a deleterious effect on protein structure/function; Has not been previously published as pathogenic or benign to our knowledge